The following is an entry in ClinVar:

NM_000516.7(GNAS):c.1110_1111del (p.Asn371fs)

Gene: GNAS (GNAS complex locus; plus strand). Cytogenetic location: 20q13.32.
Variant type: Microsatellite.
Coding change: c.1110_1111del on transcript NM_000516.7 (MANE Select); coding-DNA positions 1110 to 1111, 2 bases deleted (GA; older notation c.1110_1111delGA).
Protein change: p.Asn371fs; shifts the reading frame from asparagine 371.
Molecular consequence: frameshift variant. On other transcripts: 3 prime UTR variant (2).
Genome position (GRCh38, 1-based): chr20:58,910,754-58,910,755, GA deleted; deleting any 2 consecutive bases within chr20:58,910,752-58,910,755 gives the same sequence; the c. name uses the placement nearest the transcript's 3' end. VCF-style (leftmost placement, unchanged base first): chr20-58910751-TGA-T. GRCh37 (hg19) VCF-style: chr20-57485806-TGA-T.
Other names: c.1113_1114del, p.Asn372fs (NM_001077488.5); c.1065_1066del, p.Asn356fs (NM_001077489.4); c.*969GA[1] (NM_001077490.3); c.933_934del, p.Asn312fs (NM_001309840.2, NM_001309861.2); c.1014_1015del, p.Asn339fs (NM_001410912.1); c.2994_2995del, p.Asn999fs (NM_001410913.1); c.*1014GA[1] (NM_016592.5); c.3039_3040del, p.Asn1014fs (NM_080425.4); and 2 more; short protein forms N357fs, N372fs, N312fs, N339fs, N371fs, N1014fs, N356fs, N999fs.
Identifiers: ClinVar variation 2837522 (VCV002837522.4), dbSNP rs2517296110, ClinGen allele CA2739277220.

ClinVar aggregate classification (germline): Pathogenic. Review status: criteria provided, single submitter (1 of 4 stars). 2 submissions from 2 submitters: Pathogenic (1). 1 of the submissions does not count toward it. Last evaluated 2023-02-14.

Conditions:
GNAS-related disorder. Identifiers: MedGen CN380105.

Submissions (2):

Labcorp Genetics (formerly Invitae), Labcorp
Classification: Pathogenic. Last evaluated: 2023-02-14. Review status: criteria provided, single submitter. Criteria: Invitae Variant Classification Sherloc (09022015). Collection method: clinical testing. Allele origin: germline.
Comment: This sequence change creates a premature translational stop signal (p.Asn371Hisfs*10) in the GNAS gene. While this is not anticipated to result in nonsense mediated decay, it is expected to disrupt the last 24 amino acid(s) of the GNAS protein. For these reasons, this variant has been classified as Pathogenic. This variant disrupts a region of the GNAS protein in which other variant(s) (p.Glu392Lys) have been determined to be pathogenic (PMID: 12970262, 21488135, 21525160, 24651309). This suggests that this is a clinically significant region of the protein, and that variants that disrupt it are likely to be disease-causing. This premature translational stop signal has been observed in individual(s) with clinical features of GNAS-related conditions (PMID: 10980525, 29193623). This variant is not present in population databases (gnomAD no frequency).

PreventionGenetics, part of Exact Sciences
Classification: Likely pathogenic for GNAS-related condition. Last evaluated: 2024-01-09. Review status: no assertion criteria provided. Collection method: clinical testing. Allele origin: germline. Not counted in ClinVar's aggregate classification.
Comment: The GNAS c.1110_1111delGA variant is predicted to result in a frameshift and premature protein termination (p.Asn371Hisfs*10). To our knowledge, this variant has not been reported in the literature or in a large population database, indicating this variant is rare. Frameshift variants in GNAS are expected to be pathogenic. This variant is interpreted as likely pathogenic.

Literature cited by the submitters: PubMed 12970262 (cited by Labcorp Genetics (formerly Invitae), Labcorp); PubMed 21488135 (cited by Labcorp Genetics (formerly Invitae), Labcorp); PubMed 21525160 (cited by Labcorp Genetics (formerly Invitae), Labcorp); PubMed 24651309 (cited by Labcorp Genetics (formerly Invitae), Labcorp); PubMed 10980525 (cited by Labcorp Genetics (formerly Invitae), Labcorp); PubMed 29193623 (cited by Labcorp Genetics (formerly Invitae), Labcorp).